The following is an entry in ClinVar:

ClinVar aggregate classification (germline): Likely benign. Review status: criteria provided, multiple submitters, no conflicts (2 of 4 stars). 3 submissions from 3 submitters: Likely benign (3). Last evaluated 2026-02-01.

Conditions:
Hereditary cancer-predisposing syndrome. Also called: Neoplastic Syndromes, Hereditary; Tumor predisposition; Hereditary neoplastic syndrome; Hereditary Cancer Syndrome. Identifiers: Orphanet 140162, MedGen C0027672, MeSH D009386, MONDO:0015356.
DICER1-related tumor predisposition. Also called: DICER1-related pleuropulmonary blastoma cancer predisposition syndrome; DICER1 syndrome. Identifiers: Orphanet 284343, MedGen C3839822, MONDO:0100216.

Submissions (3):

CeGaT Center for Human Genetics Tuebingen
Classification: Likely benign. Last evaluated: 2026-02-01. Review status: criteria provided, single submitter. Criteria: CeGaT Center For Human Genetics Tuebingen Variant Classification Criteria Version 2. Collection method: clinical testing. Allele origin: germline. Affected: yes. Observed: 1 variant allele.
Comment: DICER1: PM2:Supporting, BP4, BP7

Ambry Genetics
Classification: Likely benign for Hereditary cancer-predisposing syndrome. Last evaluated: 2021-03-06. Review status: criteria provided, single submitter. Criteria: Ambry Variant Classification Scheme 2023. Collection method: clinical testing. Allele origin: germline.

Labcorp Genetics (formerly Invitae), Labcorp
Classification: Likely benign for DICER1-related tumor predisposition. Last evaluated: 2020-03-11. Review status: criteria provided, single submitter. Criteria: Invitae Variant Classification Sherloc (09022015). Collection method: clinical testing. Allele origin: germline.

NM_177438.3(DICER1):c.1020G>A (p.Leu340=)

Gene: DICER1 (dicer 1, ribonuclease III; minus strand). Cytogenetic location: 14q32.13.
Variant type: single nucleotide variant.
Coding change: c.1020G>A on transcript NM_177438.3 (MANE Select); coding-DNA position 1020, G replaced by A.
Protein change: p.Leu340=; no amino-acid change (leucine 340 retained).
Molecular consequence: synonymous variant.
Genome position (GRCh38, 1-based): chr14:95,124,552, C>T on the plus strand (G>A on the coding strand, the complement: DICER1 is on the minus strand). VCF-style: chr14-95124552-C-T. GRCh37 (hg19) VCF-style: chr14-95590889-C-T.
Other names: c.1020G>A, p.Leu340= (NM_001195573.1, NM_001271282.3, NM_001291628.2 and 1 more transcripts).
Identifiers: ClinVar variation 1114326 (VCV001114326.16), dbSNP rs2140206703, ClinGen allele CA487845866.
Genomic context (GRCh38, chr14:95,124,552, plus strand): 5'-TTCACATAGTGCATGTATTTTCCTTAGGAAAGTGTCTGTAAACAATAAAAATTTCCTGTG[C>T]AGCTCCTCTTGCTCATGTTTGATGTATTTCTGTAGTTCTCTTACCATCATTCCAGCTACT-3'
Protein context (NP_803187.1, residues 330-350): QKYIKHEQEE[Leu340=]HRKFLLFTDT